The following is an entry in ClinVar:

ClinVar aggregate classification (germline): Uncertain significance (1 of 4 stars; one submission).

Allele frequency attached by ClinVar (database versions not stated): gnomAD exomes below 0.00001 and 0.00001; TOPMed 0.00001.
gnomAD v4.1: 11 of 1,611,126 alleles (0.00068%); highest among the groups gnomAD compares: Non-Finnish European, 0.00093%; no homozygotes.

Submission:

Labcorp Genetics (formerly Invitae), Labcorp
Classification: Uncertain significance. Last evaluated: 2022-01-26. Review status: criteria provided, single submitter. Criteria: Invitae Variant Classification Sherloc (09022015). Collection method: clinical testing. Allele origin: germline.
Comment: This sequence change replaces glycine, which is neutral and non-polar, with glutamic acid, which is acidic and polar, at codon 529 of the ADAMTS10 protein (p.Gly529Glu). This variant is present in population databases (no rsID available, gnomAD 0.0009%). This missense change has been observed in individual(s) with Weill-Marchesani syndrome (PMID: 25053872). It has also been observed to segregate with disease in related individuals. Algorithms developed to predict the effect of missense changes on protein structure and function are either unavailable or do not agree on the potential impact of this missense change (SIFT: "Deleterious"; PolyPhen-2: "Benign"; Align-GVGD: "Class C65"). In summary, the available evidence is currently insufficient to determine the role of this variant in disease. Therefore, it has been classified as a Variant of Uncertain Significance.

Literature cited by the submitters: PubMed 25053872.

NM_030957.4(ADAMTS10):c.1586G>A (p.Gly529Glu)

Gene: ADAMTS10 (ADAM metallopeptidase with thrombospondin type 1 motif 10; minus strand). Cytogenetic location: 19p13.2.
Variant type: single nucleotide variant.
Coding change: c.1586G>A on transcript NM_030957.4 (MANE Select); coding-DNA position 1586, G replaced by A.
Protein change: p.Gly529Glu; replaces glycine 529 with glutamic acid.
Molecular consequence: missense variant.
Genome position (GRCh38, 1-based): chr19:8,592,764, C>T on the plus strand (G>A on the coding strand, the complement: ADAMTS10 is on the minus strand). VCF-style: chr19-8592764-C-T. GRCh37 (hg19) VCF-style: chr19-8657648-C-T.
Other names: short protein forms G529E.
Identifiers: ClinVar variation 1515184 (VCV001515184.3), dbSNP rs1555739393, ClinGen allele CA403754084.